The following is an entry in ClinVar:

ClinVar aggregate classification (germline): Uncertain significance. Review status: criteria provided, single submitter (1 of 4 stars). 2 submissions from 2 submitters: Uncertain significance (1). 1 of the submissions does not count toward it. Last evaluated 2025-10-23.

Conditions:
Long QT syndrome (LQTS). Identifiers: MedGen C0023976, MeSH D008133, MONDO:0002442. Disease mechanism: loss of function. Inheritance: Various modes of inheritance.

Allele frequency attached by ClinVar (database versions not stated): gnomAD exomes below 0.00001.
gnomAD v4.1: 1 of 1,602,174 alleles (0.000062%); highest among the groups gnomAD compares: Non-Finnish European, 0.000085%; no homozygotes.

Submissions (2):

Labcorp Genetics (formerly Invitae), Labcorp
Classification: Uncertain significance. Last evaluated: 2025-10-23. Review status: criteria provided, single submitter. Criteria: Invitae Variant Classification Sherloc (09022015). Collection method: clinical testing. Allele origin: germline.
Comment: This sequence change replaces aspartic acid, which is acidic and polar, with asparagine, which is neutral and polar, at codon 69 of the KIF11 protein (p.Asp69Asn). This variant is not present in population databases (gnomAD no frequency). This variant has not been reported in the literature in individuals affected with KIF11-related conditions. ClinVar contains an entry for this variant (Variation ID: 207836). Invitae Evidence Modeling of protein sequence and biophysical properties (such as structural, functional, and spatial information, amino acid conservation, physicochemical variation, residue mobility, and thermodynamic stability) indicates that this missense variant is not expected to disrupt KIF11 protein function with a negative predictive value of 95%. In summary, the available evidence is currently insufficient to determine the role of this variant in disease. Therefore, it has been classified as a Variant of Uncertain Significance.

Medical Research Institute, Tokyo Medical and Dental University
Classification: Likely benign for Long QT syndrome. Review status: no assertion criteria provided. Collection method: research. Allele origin: germline. Affected: yes. Not counted in ClinVar's aggregate classification.

Literature cited by the submitters: PubMed 26132555 (cited by Medical Research Institute, Tokyo Medical and Dental University).

NM_004523.4(KIF11):c.205G>A (p.Asp69Asn)

Gene: KIF11 (kinesin family member 11; plus strand). Cytogenetic location: 10q23.33.
Variant type: single nucleotide variant.
Coding change: c.205G>A on transcript NM_004523.4 (MANE Select); coding-DNA position 205, G replaced by A.
Protein change: p.Asp69Asn; replaces aspartic acid 69 with asparagine.
Molecular consequence: missense variant.
Genome position (GRCh38, 1-based): chr10:92,606,392, G>A. VCF-style: chr10-92606392-G-A. GRCh37 (hg19) VCF-style: chr10-94366149-G-A.
Other names: short protein forms D69N.
Identifiers: ClinVar variation 207836 (VCV000207836.2), dbSNP rs796052144, ClinGen allele CA204069.
Genomic context (GRCh38, chr10:92,606,392, plus strand): 5'-GAAGTTAGTGTACGAACTGGAGGATTGGCTGACAAGAGCTCAAGGAAAACATACACTTTT[G>A]ATATGGTAACATATGGTGCAATTTCTTTATTATCCACTAATGTAAAATAATTTTAATATA-3'
Protein context (NP_004514.2, residues 59-79): DKSSRKTYTF[Asp69Asn]MVFGASTKQI